The following is an entry in ClinVar:

NM_001039141.3(TRIOBP):c.138_153del (p.Glu47fs)

Gene: TRIOBP (TRIO and F-actin binding protein; plus strand). Cytogenetic location: 22q13.1.
Variant type: Deletion.
Coding change: c.138_153del on transcript NM_001039141.3 (MANE Select); coding-DNA positions 138 to 153, 16 bases deleted (TGAGGTGCCCTACTGC).
Protein change: p.Glu47fs; shifts the reading frame from glutamic acid 47.
Molecular consequence: frameshift variant.
Genome position (GRCh38, 1-based): chr22:37,710,450-37,710,465, TGAGGTGCCCTACTGC deleted; deleting any 16 consecutive bases within chr22:37,710,447-37,710,465 gives the same sequence; the c. name uses the placement nearest the transcript's 3' end. VCF-style (leftmost placement, unchanged base first): chr22-37710446-GTGCTGAGGTGCCCTAC-G. GRCh37 (hg19) VCF-style: chr22-38106453-GTGCTGAGGTGCCCTAC-G.
Other names: short protein forms E47fs.
Identifiers: ClinVar variation 3075891 (VCV003075891.3), dbSNP rs1569034200, ClinGen allele CA639193967.
Genomic context (GRCh38, chr22:37,710,446, plus strand): 5'-CGTGGGCGCTGAGCTGTCTCCTCTCTCCAACCCTGGCCCAGGAGCTCAGGAGCCCTTCAG[GTGCTGAGGTGCCCTAC>G]TGCGACCTGCCTCGATGTCCACCTGCCCCTGAGGACCCACTCAGCGCCTCAACCTCCGGC-3'

ClinVar aggregate classification (germline): Pathogenic/Likely pathogenic. Review status: criteria provided, multiple submitters, no conflicts (2 of 4 stars). 2 submissions from 2 submitters: Pathogenic (1); Likely pathogenic (1). Last evaluated 2024-10-04.

Conditions:
Rare genetic deafness. Identifiers: Orphanet 96210, MedGen C5680250.

Submissions (2):

Labcorp Genetics (formerly Invitae), Labcorp
Classification: Pathogenic. Last evaluated: 2024-10-04. Review status: criteria provided, single submitter. Criteria: Invitae Variant Classification Sherloc (09022015). Collection method: clinical testing. Allele origin: germline.
Comment: This sequence change creates a premature translational stop signal (p.Glu47Thrfs*67) in the TRIOBP gene. It is expected to result in an absent or disrupted protein product. Loss-of-function variants in TRIOBP are known to be pathogenic (PMID: 16385457, 16385458, 20510926). This variant is present in population databases (no rsID available, gnomAD no frequency). This variant has not been reported in the literature in individuals affected with TRIOBP-related conditions. For these reasons, this variant has been classified as Pathogenic.

Laboratory for Molecular Medicine, Mass General Brigham Personalized Medicine
Classification: Likely pathogenic for Rare genetic deafness. Last evaluated: 2022-11-03. Review status: criteria provided, single submitter. Criteria: ACMG Guidelines, 2015. Collection method: clinical testing. Allele origin: germline.
Comment: The p.Glu47ThrfsX67 variant in TRIOBP has not been reported in individuals with disease and was absent from large population studies. This variant is predicted to cause a frameshift, which alters the protein’s amino acid sequence beginning at position 47 and leads to a premature termination codon 67 amino acids downstream. Loss of function of the TRIOBP gene is an established disease mechanism in autosomal recessive hearing loss. In summary, although additional studies are required to fully establish its clinical significance, this variant meets criteria to be classified as likely pathogenic for autosomal recessive hearing loss. ACMG/AMP Criteria applied: PM2_Supporting, PVS1.

Literature cited by the submitters: PubMed 16385457 (cited by Labcorp Genetics (formerly Invitae), Labcorp); PubMed 16385458 (cited by Labcorp Genetics (formerly Invitae), Labcorp); PubMed 20510926 (cited by Labcorp Genetics (formerly Invitae), Labcorp).